The following is an entry in ClinVar:

ClinVar aggregate classification (germline): Benign/Likely benign. Review status: criteria provided, multiple submitters, no conflicts (2 of 4 stars). 3 submissions from 3 submitters: Benign (1); Likely benign (2). Last evaluated 2025-11-28.

Conditions:
Tuberous sclerosis 2 (TSC2). Identifiers: Orphanet 805, MedGen C1860707, MONDO:0013199, OMIM 613254.

Allele frequency attached by ClinVar (database versions not stated): gnomAD exomes 0.00001 and 0.00002; ExAC 0.00002; TOPMed 0.00003; gnomAD 0.00007.
gnomAD v4.1: 19 of 1,613,928 alleles (0.0012%); highest among the groups gnomAD compares: African/African-American, 0.015%; no homozygotes.

Submissions (3):

Labcorp Genetics (formerly Invitae), Labcorp
Classification: Likely benign for Tuberous sclerosis 2. Last evaluated: 2025-11-28. Review status: criteria provided, single submitter. Criteria: Invitae Variant Classification Sherloc (09022015). Collection method: clinical testing. Allele origin: germline.

Myriad Genetics, Inc.
Classification: Benign for Tuberous sclerosis 2. Last evaluated: 2024-09-05. Review status: criteria provided, single submitter. Criteria: Myriad Autosomal Dominant, Autosomal Recessive and X-Linked Classification Criteria (2023). Collection method: clinical testing. Allele origin: unknown.
Comment: This variant is considered benign. This variant is intronic and is not expected to impact mRNA splicing. This variant has been observed at a population frequency that is significantly greater than expected given the associated disease prevalence and penetrance.

GeneDx
Classification: Likely benign. Last evaluated: 2016-05-27. Review status: criteria provided, single submitter. Criteria: GeneDx Variant Classification (06012015). Collection method: clinical testing. Allele origin: germline. Affected: yes.
Comment: This variant is considered likely benign or benign based on one or more of the following criteria: it is a conservative change, it occurs at a poorly conserved position in the protein, it is predicted to be benign by multiple in silico algorithms, and/or has population frequency not consistent with disease.

NM_000548.5(TSC2):c.1120-16G>A

Gene: TSC2 (TSC complex subunit 2; plus strand). Cytogenetic location: 16p13.3.
Variant type: single nucleotide variant.
Coding change: c.1120-16G>A on transcript NM_000548.5 (MANE Select); 16 bases into the intron before coding-DNA position 1120, G replaced by A.
Molecular consequence: intron variant.
Genome position (GRCh38, 1-based): chr16:2,061,855, G>A. VCF-style: chr16-2061855-G-A. GRCh37 (hg19) VCF-style: chr16-2111856-G-A.
Other names: c.1120-16G>A (NM_001114382.3, NM_021055.3, NM_001370405.1 and 3 more transcripts); c.1009-16G>A (NM_001318827.2); c.520-16G>A (NM_001318831.2); c.973-16G>A (NM_001318829.2); c.1153-16G>A (NM_001318832.2).
Identifiers: ClinVar variation 386457 (VCV000386457.9), dbSNP rs768241936, ClinGen allele CA028444.